The following is an entry in ClinVar:

ClinVar aggregate classification (germline): Uncertain significance. Review status: criteria provided, multiple submitters, no conflicts (2 of 4 stars). 2 submissions from 2 submitters: Uncertain significance (2). Last evaluated 2024-08-21.

Conditions:
Hereditary cancer-predisposing syndrome. Also called: Neoplastic Syndromes, Hereditary; Hereditary neoplastic syndrome; Hereditary Cancer Syndrome; Tumor predisposition. Identifiers: Orphanet 140162, MedGen C0027672, MeSH D009386, MONDO:0015356.
Renal cell carcinoma. Identifiers: Orphanet 217071, MedGen C0007134, MeSH D002292, MONDO:0005086, HP:0005584.

Allele frequency attached by ClinVar (database versions not stated): gnomAD exomes below 0.00001.
gnomAD v4.1: 1 of 1,614,030 alleles (0.000062%); highest among the groups gnomAD compares: African/African-American, 0.0013%; no homozygotes.

Submissions (2):

Ambry Genetics
Classification: Uncertain significance for Hereditary cancer-predisposing syndrome. Last evaluated: 2024-08-21. Review status: criteria provided, single submitter. Criteria: Ambry Variant Classification Scheme 2023. Collection method: clinical testing. Allele origin: germline.
Comment: The p.Y125N variant (also known as c.373T>A), located in coding exon 1 of the MET gene, results from a T to A substitution at nucleotide position 373. The tyrosine at codon 125 is replaced by asparagine, an amino acid with dissimilar properties. This amino acid position is conserved. In addition, this alteration is predicted to be tolerated by in silico analysis. Based on the available evidence, the clinical significance of this variant remains unclear.

Labcorp Genetics (formerly Invitae), Labcorp
Classification: Uncertain significance for Renal cell carcinoma. Last evaluated: 2023-10-14. Review status: criteria provided, single submitter. Criteria: Invitae Variant Classification Sherloc (09022015). Collection method: clinical testing. Allele origin: germline.
Comment: This sequence change replaces tyrosine, which is neutral and polar, with asparagine, which is neutral and polar, at codon 125 of the MET protein (p.Tyr125Asn). This variant is not present in population databases (gnomAD no frequency). This variant has not been reported in the literature in individuals affected with MET-related conditions. Advanced modeling of protein sequence and biophysical properties (such as structural, functional, and spatial information, amino acid conservation, physicochemical variation, residue mobility, and thermodynamic stability) performed at Invitae indicates that this missense variant is not expected to disrupt MET protein function. In summary, the available evidence is currently insufficient to determine the role of this variant in disease. Therefore, it has been classified as a Variant of Uncertain Significance.

NM_000245.4(MET):c.373T>A (p.Tyr125Asn)

Gene: MET (MET proto-oncogene, receptor tyrosine kinase; plus strand). Cytogenetic location: 7q31.2.
Variant type: single nucleotide variant.
Coding change: c.373T>A on transcript NM_000245.4 (MANE Select); coding-DNA position 373, T replaced by A.
Protein change: p.Tyr125Asn; replaces tyrosine 125 with asparagine.
Molecular consequence: missense variant. On other transcripts: intron variant (1).
Genome position (GRCh38, 1-based): chr7:116,699,457, T>A. VCF-style: chr7-116699457-T-A. GRCh37 (hg19) VCF-style: chr7-116339511-T-A.
Other names: c.373T>A, p.Tyr125Asn (NM_001127500.3, NM_001324401.3); c.-91+26880T>A (NM_001324402.2); short protein forms Y125N.
Identifiers: ClinVar variation 2977695 (VCV002977695.4), dbSNP rs2116587208, ClinGen allele CA368968930.